The following is an entry in ClinVar:

ClinVar aggregate classification (germline): Uncertain significance. Review status: criteria provided, multiple submitters, no conflicts (2 of 4 stars). 4 submissions from 4 submitters: Uncertain significance (3). 1 of the submissions does not count toward it. Last evaluated 2023-09-07.

Conditions:
Primary ciliary dyskinesia. Also called: Ciliary dyskinesia. Identifiers: Orphanet 244, MedGen C0008780, MONDO:0016575, HP:0012265.

Allele frequency attached by ClinVar (database versions not stated): gnomAD exomes below 0.00001; gnomAD 0.00001; TOPMed 0.00001.
gnomAD v4.1: 4 of 1,614,112 alleles (0.00025%); highest among the groups gnomAD compares: East Asian, 0.0022%; no homozygotes.

Submissions (4):

Ambry Genetics
Classification: Uncertain significance for Primary ciliary dyskinesia. Last evaluated: 2023-09-07. Review status: criteria provided, single submitter. Criteria: Ambry Variant Classification Scheme 2023. Collection method: clinical testing. Allele origin: germline.
Comment: The p.Y39C variant (also known as c.116A>G), located in coding exon 2 of the DNAH5 gene, results from an A to G substitution at nucleotide position 116. The tyrosine at codon 39 is replaced by cysteine, an amino acid with highly dissimilar properties. This amino acid position is highly conserved in available vertebrate species. In addition, this alteration is predicted to be tolerated by in silico analysis. Since supporting evidence is limited at this time, the clinical significance of this alteration remains unclear.

Blueprint Genetics
Classification: Uncertain significance. Last evaluated: 2023-06-28. Review status: criteria provided, single submitter. Criteria: ACMG Guidelines, 2015. Collection method: clinical testing. Allele origin: germline.

Labcorp Genetics (formerly Invitae), Labcorp
Classification: Uncertain significance for Primary ciliary dyskinesia. Last evaluated: 2022-08-09. Review status: criteria provided, single submitter. Criteria: Invitae Variant Classification Sherloc (09022015). Collection method: clinical testing. Allele origin: germline.
Comment: This sequence change replaces tyrosine, which is neutral and polar, with cysteine, which is neutral and slightly polar, at codon 39 of the DNAH5 protein (p.Tyr39Cys). This variant is present in population databases (no rsID available, gnomAD 0.06%). This variant has not been reported in the literature in individuals affected with DNAH5-related conditions. ClinVar contains an entry for this variant (Variation ID: 852242). Advanced modeling of protein sequence and biophysical properties (such as structural, functional, and spatial information, amino acid conservation, physicochemical variation, residue mobility, and thermodynamic stability) performed at Invitae indicates that this missense variant is not expected to disrupt DNAH5 protein function. In summary, the available evidence is currently insufficient to determine the role of this variant in disease. Therefore, it has been classified as a Variant of Uncertain Significance.

Natera, Inc.
Classification: Uncertain significance for Primary ciliary dyskinesia. Last evaluated: 2021-08-20. Review status: no assertion criteria provided. Collection method: clinical testing. Allele origin: germline. Not counted in ClinVar's aggregate classification.

NM_001369.3(DNAH5):c.116A>G (p.Tyr39Cys)

Gene: DNAH5 (dynein axonemal heavy chain 5; minus strand). Cytogenetic location: 5p15.2.
Variant type: single nucleotide variant.
Coding change: c.116A>G on transcript NM_001369.3 (MANE Select); coding-DNA position 116, A replaced by G.
Protein change: p.Tyr39Cys; replaces tyrosine 39 with cysteine.
Molecular consequence: missense variant.
Genome position (GRCh38, 1-based): chr5:13,931,186, T>C on the plus strand (A>G on the coding strand, the complement: DNAH5 is on the minus strand). VCF-style: chr5-13931186-T-C. GRCh37 (hg19) VCF-style: chr5-13931295-T-C.
Other names: short protein forms Y39C.
Identifiers: ClinVar variation 852242 (VCV000852242.14), dbSNP rs1469239990, ClinGen allele CA359230170.